The following is an entry in ClinVar:

ClinVar aggregate classification (germline): Conflicting classifications of pathogenicity. Review status: criteria provided, conflicting classifications (1 of 4 stars). 7 submissions from 7 submitters: Uncertain significance (5); Likely benign (2). Last evaluated 2026-01-17.

Conditions:
Global developmental delay - lung cysts - overgrowth - Wilms tumor syndrome. Also called: GLOW Syndrome; GLOBAL DEVELOPMENTAL DELAY, LUNG CYSTS, OVERGROWTH, AND WILMS TUMOR. Identifiers: Orphanet 404476, MedGen C4748924, MONDO:0018445, OMIM 618272.
DICER1-related disorder. Also called: DICER1-related condition.
Hereditary cancer-predisposing syndrome. Also called: Neoplastic Syndromes, Hereditary; Hereditary neoplastic syndrome; Hereditary Cancer Syndrome; Tumor predisposition. Identifiers: Orphanet 140162, MedGen C0027672, MeSH D009386, MONDO:0015356.
DICER1-related tumor predisposition. Also called: DICER1 syndrome; DICER1-related pleuropulmonary blastoma cancer predisposition syndrome. Identifiers: Orphanet 284343, MedGen C3839822, MONDO:0100216.

Allele frequency attached by ClinVar (database versions not stated): ExAC 0.00002; gnomAD exomes 0.00002; gnomAD 0.00005; TOPMed 0.00005.
gnomAD v4.1: 32 of 1,614,000 alleles (0.002%); highest among the groups gnomAD compares: Non-Finnish European, 0.0025%; no homozygotes.

Submissions (7):

Labcorp Genetics (formerly Invitae), Labcorp
Classification: Likely benign for DICER1-related tumor predisposition. Last evaluated: 2026-01-17. Review status: criteria provided, single submitter. Criteria: Invitae Variant Classification Sherloc (09022015). Collection method: clinical testing. Allele origin: germline.

PreventionGenetics, part of Exact Sciences
Classification: Uncertain significance for DICER1-related condition. Last evaluated: 2025-04-10. Review status: criteria provided, single submitter. Criteria: ACMG Guidelines, 2015. Collection method: clinical testing. Allele origin: germline.
Comment: The DICER1 c.2872A>G variant is predicted to result in the amino acid substitution p.Ser958Gly. To our knowledge, this variant has not been reported in the literature. This variant is reported in 0.0040% of alleles in individuals of African descent in gnomAD and has conflicting interpretations as uncertain significance and as likely benign in ClinVar. At this time, the clinical significance of this variant is uncertain due to the absence of conclusive functional and genetic evidence.

Ambry Genetics
Classification: Uncertain significance for Hereditary cancer-predisposing syndrome. Last evaluated: 2024-08-20. Review status: criteria provided, single submitter. Criteria: Ambry Variant Classification Scheme 2023. Collection method: clinical testing. Allele origin: germline.
Comment: The p.S958G variant (also known as c.2872A>G), located in coding exon 17 of the DICER1 gene, results from an A to G substitution at nucleotide position 2872. The serine at codon 958 is replaced by glycine, an amino acid with similar properties. This amino acid position is highly conserved in available vertebrate species. In addition, the in silico prediction for this alteration is inconclusive. Based on the available evidence, the clinical significance of this variant remains unclear.

Quest Diagnostics Nichols Institute San Juan Capistrano
Classification: Uncertain significance. Last evaluated: 2024-07-01. Review status: criteria provided, single submitter. Criteria: Quest Diagnostics criteria. Collection method: clinical testing. Allele origin: unknown.
Comment: The DICER1 c.2872A>G (p.Ser958Gly) variant has not been reported in individuals with DICER1-related conditions in the published literature. The frequency of this variant in the general population, 0.000039 (5/129096 chromosomes (Genome Aggregation Database)), is uninformative in the assessment of its pathogenicity. Analysis of this variant using bioinformatics tools for the prediction of the effect of amino acid changes on protein structure and function yielded predictions that this variant is damaging. Additional analysis using software algorithms for the prediction of the effect of nucleotide changes on DICER1 mRNA splicing yielded predictions that this variant may result in the gain of a cryptic splice site without affecting the natural splice sites. Based on the available information, we are unable to determine the clinical significance of this variant.

Baylor Genetics
Classification: Uncertain significance for Global developmental delay - lung cysts - overgrowth - Wilms tumor syndrome. Last evaluated: 2024-03-22. Review status: criteria provided, single submitter. Criteria: ACMG Guidelines, 2015. Collection method: clinical testing. Allele origin: unknown.

GeneDx
Classification: Uncertain significance. Last evaluated: 2022-08-26. Review status: criteria provided, single submitter. Criteria: GeneDx Variant Classification Process June 2021. Collection method: clinical testing. Allele origin: germline. Affected: yes.
Comment: Not observed at significant frequency in large population cohorts (gnomAD); In silico analysis supports that this missense variant has a deleterious effect on protein structure/function; Has not been previously published as pathogenic or benign to our knowledge

Illumina Laboratory Services, Illumina
Classification: Likely benign for Pleuropulmonary blastoma. Last evaluated: 2018-01-13. Review status: criteria provided, single submitter. Criteria: ICSL Variant Classification Criteria 13 December 2019. Collection method: clinical testing. Allele origin: germline.
Comment: This variant was observed in the ICSL laboratory as part of a predisposition screen in an ostensibly healthy population. It had not been previously curated by ICSL or reported in the Human Gene Mutation Database (HGMD: prior to June 1st, 2018), and was therefore a candidate for classification through an automated scoring system. Utilizing variant allele frequency, disease prevalence and penetrance estimates, and inheritance mode, an automated score was calculated to assess if this variant is too frequent to cause the disease. Based on the score and internal cut-off values, a variant classified as likely benign is not then subjected to further curation. The score for this variant resulted in a classification of likely benign for this disease.

NM_177438.3(DICER1):c.2872A>G (p.Ser958Gly)

Gene: DICER1 (dicer 1, ribonuclease III; minus strand). Cytogenetic location: 14q32.13.
Variant type: single nucleotide variant.
Coding change: c.2872A>G on transcript NM_177438.3 (MANE Select); coding-DNA position 2872, A replaced by G.
Protein change: p.Ser958Gly; replaces serine 958 with glycine.
Molecular consequence: missense variant.
Genome position (GRCh38, 1-based): chr14:95,106,156, T>C on the plus strand (A>G on the coding strand, the complement: DICER1 is on the minus strand). VCF-style: chr14-95106156-T-C. GRCh37 (hg19) VCF-style: chr14-95572493-T-C.
Other names: c.2872A>G, p.Ser958Gly (NM_001195573.1, NM_001271282.3, NM_001291628.2 and 1 more transcripts); short protein forms S958G.
Identifiers: ClinVar variation 242073 (VCV000242073.24), dbSNP rs752905540, ClinGen allele CA7331154.